The following is an entry in ClinVar:

NM_182943.3(PLOD2):c.1457A>G (p.Lys486Arg)

Gene: PLOD2 (procollagen-lysine,2-oxoglutarate 5-dioxygenase 2; minus strand). Cytogenetic location: 3q24.
Variant type: single nucleotide variant.
Coding change: c.1457A>G on transcript NM_182943.3 (MANE Select); coding-DNA position 1457, A replaced by G.
Protein change: p.Lys486Arg; replaces lysine 486 with arginine.
Molecular consequence: missense variant.
Genome position (GRCh38, 1-based): chr3:146,079,159, T>C on the plus strand (A>G on the coding strand, the complement: PLOD2 is on the minus strand). VCF-style: chr3-146079159-T-C. GRCh37 (hg19) VCF-style: chr3-145796946-T-C.
Other names: c.1457A>G, p.Lys486Arg (NM_000935.3); short protein forms K486R.
Identifiers: ClinVar variation 343647 (VCV000343647.48), dbSNP rs760876151, ClinGen allele CA2654890.

ClinVar aggregate classification (germline): Uncertain significance. Review status: criteria provided, multiple submitters, no conflicts (2 of 4 stars). 4 submissions from 4 submitters: Uncertain significance (4). Last evaluated 2024-06-28.

Conditions:
Inborn genetic diseases. Identifiers: MedGen C0950123, MeSH D030342.
Bruck syndrome 2 (BRKS2). Also called: OSTEOGENESIS IMPERFECTA WITH CONGENITAL JOINT CONTRACTURES. Identifiers: Orphanet 2771, MedGen C1836602, MONDO:0012217, OMIM 609220.

Allele frequency attached by ClinVar (database versions not stated): gnomAD 0.00006 and 0.00007; ExAC 0.00007; gnomAD exomes 0.00008 and 0.00018; TOPMed 0.00009.
gnomAD v4.1: 281 of 1,612,742 alleles (0.017%); highest among the groups gnomAD compares: Non-Finnish European, 0.023%; no homozygotes.

Submissions (4):

Ambry Genetics
Classification: Uncertain significance for Inborn genetic diseases. Last evaluated: 2024-06-28. Review status: criteria provided, single submitter. Criteria: Ambry Variant Classification Scheme 2023. Collection method: clinical testing. Allele origin: germline.

Labcorp Genetics (formerly Invitae), Labcorp
Classification: Uncertain significance. Last evaluated: 2022-03-28. Review status: criteria provided, single submitter. Criteria: Invitae Variant Classification Sherloc (09022015). Collection method: clinical testing. Allele origin: germline.
Comment: This sequence change replaces lysine, which is basic and polar, with arginine, which is basic and polar, at codon 486 of the PLOD2 protein (p.Lys486Arg). This variant is present in population databases (rs760876151, gnomAD 0.02%). This variant has not been reported in the literature in individuals affected with PLOD2-related conditions. ClinVar contains an entry for this variant (Variation ID: 343647). Algorithms developed to predict the effect of missense changes on protein structure and function output the following: SIFT: "Tolerated"; PolyPhen-2: "Benign"; Align-GVGD: "Class C0". The arginine amino acid residue is found in multiple mammalian species, which suggests that this missense change does not adversely affect protein function. In summary, the available evidence is currently insufficient to determine the role of this variant in disease. Therefore, it has been classified as a Variant of Uncertain Significance.

CeGaT Center for Human Genetics Tuebingen
Classification: Uncertain significance. Last evaluated: 2019-07-01. Review status: criteria provided, single submitter. Criteria: CeGaT Center For Human Genetics Tuebingen Variant Classification Criteria Version 2. Collection method: clinical testing. Allele origin: germline. Affected: yes. Observed: 1 variant allele.

Illumina Laboratory Services, Illumina
Classification: Uncertain significance for Bruck syndrome 2. Last evaluated: 2018-01-13. Review status: criteria provided, single submitter. Criteria: ICSL Variant Classification Criteria 13 December 2019. Collection method: clinical testing. Allele origin: germline.